The following is an entry in ClinVar:

NM_000543.5(SMPD1):c.529A>T (p.Asn177Tyr)

Gene: SMPD1 (sphingomyelin phosphodiesterase 1; plus strand). Cytogenetic location: 11p15.4.
Variant type: single nucleotide variant.
Coding change: c.529A>T on transcript NM_000543.5 (MANE Select); coding-DNA position 529, A replaced by T.
Protein change: p.Asn177Tyr; replaces asparagine 177 with tyrosine.
Molecular consequence: missense variant. On other transcripts: 5 prime UTR variant (1), non-coding transcript variant (1).
Genome position (GRCh38, 1-based): chr11:6,391,594, A>T. VCF-style: chr11-6391594-A-T. GRCh37 (hg19) VCF-style: chr11-6412824-A-T.
Other names: c.529A>T (NM_000543.4); c.526A>T, p.Asn176Tyr (NM_001007593.3); c.529A>T, p.Asn177Tyr (NM_001318087.2, NM_001365135.2); c.-433A>T (NM_001318088.2); short protein forms N177Y, N176Y.
Identifiers: ClinVar variation 286802 (VCV000286802.6), dbSNP rs535997620, ClinGen allele CA5852619.

ClinVar aggregate classification (germline): Uncertain significance. Review status: criteria provided, multiple submitters, no conflicts (2 of 4 stars). 2 submissions from 2 submitters: Uncertain significance (2). Last evaluated 2025-06-24.

Conditions:
SMPD1-related disorder. Also called: SMPD1-related condition.

Allele frequency attached by ClinVar (database versions not stated): gnomAD exomes below 0.00001 and 0.00003; ExAC 0.00002; gnomAD 0.00002 and 0.00003; TOPMed 0.00002; 1000 Genomes Project 30x 0.00031; 1000 Genomes Project 0.00040.
gnomAD v4.1: 13 of 1,609,612 alleles (0.00081%); highest among the groups gnomAD compares: East Asian, 0.02%; no homozygotes.

Submissions (2):

PreventionGenetics, part of Exact Sciences
Classification: Uncertain significance for SMPD1-related condition. Last evaluated: 2025-06-24. Review status: criteria provided, single submitter. Criteria: ACMG Guidelines, 2015. Collection method: clinical testing. Allele origin: germline.
Comment: The SMPD1 c.529A>T variant is predicted to result in the amino acid substitution p.Asn177Tyr. This variant was reported in individuals with Parkinson disease as a rare variant, but clinical significance was not assessed (Table S3, Zhao et al. 2021. PubMed ID: 34867278; Table S12-4, Chen et al. 2022. PubMed ID: 35861376). This variant is reported in 0.028% of alleles in individuals of East Asian descent in gnomAD. At this time, the clinical significance of this variant is uncertain due to the absence of conclusive functional and genetic evidence.

Eurofins Ntd Llc (ga)
Classification: Uncertain significance. Last evaluated: 2016-03-22. Review status: criteria provided, single submitter. Criteria: EGL Classification Definitions 2015. Collection method: clinical testing. Allele origin: germline. Observed: 1 variant allele, 1 heterozygote.